The following is an entry in ClinVar:

ClinVar aggregate classification (germline): Likely benign (0 of 4 stars; one submission).

Conditions:
NR1H4-related disorder. Also called: NR1H4-related condition.

Submission:

PreventionGenetics, part of Exact Sciences
Classification: Likely benign for NR1H4-related condition. Last evaluated: 2022-07-28. Review status: no assertion criteria provided. Collection method: clinical testing. Allele origin: germline.
Comment: This variant is classified as likely benign based on ACMG/AMP sequence variant interpretation guidelines (Richards et al. 2015 PMID: 25741868, with internal and published modifications).

NM_001206979.2(NR1H4):c.1152G>A (p.Glu384=)

Gene: NR1H4 (nuclear receptor subfamily 1 group H member 4; plus strand). Cytogenetic location: 12q23.1.
Variant type: single nucleotide variant.
Coding change: c.1152G>A on transcript NM_001206979.2 (MANE Select); coding-DNA position 1152, G replaced by A.
Protein change: p.Glu384=; no amino-acid change (glutamic acid 384 retained).
Molecular consequence: synonymous variant. On other transcripts: non-coding transcript variant (1).
Genome position (GRCh38, 1-based): chr12:100,561,958, G>A. VCF-style: chr12-100561958-G-A. GRCh37 (hg19) VCF-style: chr12-100955736-G-A.
Other names: c.1152G>A, p.Glu384= (NM_001206977.2); c.999G>A, p.Glu333= (NM_001206978.2); c.1170G>A, p.Glu390= (NM_001206992.2); c.1182G>A, p.Glu394= (NM_001206993.2); c.1140G>A, p.Glu380= (NM_005123.4).
Identifiers: ClinVar variation 3052684 (VCV003052684.2), dbSNP rs2500815384, ClinGen allele CA481488185.
Genomic context (GRCh38, chr12:100,561,958, plus strand): 5'-ATATATAACACCTATGTTTAGTTTTTATAAAAGTATTGGGGAACTGAAAATGACTCAAGA[G>A]GAGTATGCTCTGCTTACAGCAATTGTTATCCTGTCTCCAGGTAATTCCAATGTTACATTT-3'
Protein context (NP_001193908.1, residues 374-394): KSIGELKMTQ[Glu384=]EYALLTAIVI